The following is an entry in ClinVar:

NM_000236.3(LIPC):c.982G>A (p.Val328Ile)

Gene: LIPC (lipase C, hepatic type; plus strand). Cytogenetic location: 15q21.3.
Variant type: single nucleotide variant.
Coding change: c.982G>A on transcript NM_000236.3 (MANE Select); coding-DNA position 982, G replaced by A.
Protein change: p.Val328Ile; replaces valine 328 with isoleucine.
Molecular consequence: missense variant.
Genome position (GRCh38, 1-based): chr15:58,548,503, G>A. VCF-style: chr15-58548503-G-A. GRCh37 (hg19) VCF-style: chr15-58840702-G-A.
Other names: short protein forms V328I.
Identifiers: ClinVar variation 2075394 (VCV002075394.4), dbSNP rs769999239, ClinGen allele CA7585062.

ClinVar aggregate classification (germline): Uncertain significance (1 of 4 stars; one submission).

Allele frequency attached by ClinVar (database versions not stated): TOPMed 0.00001; ExAC 0.00005; gnomAD 0.00001; gnomAD exomes 0.00001.
gnomAD v4.1: 23 of 1,606,950 alleles (0.0014%); highest among the groups gnomAD compares: East Asian, 0.0022%; no homozygotes.

Submission:

Labcorp Genetics (formerly Invitae), Labcorp
Classification: Uncertain significance. Last evaluated: 2023-05-22. Review status: criteria provided, single submitter. Criteria: Invitae Variant Classification Sherloc (09022015). Collection method: clinical testing. Allele origin: germline.
Comment: This sequence change replaces valine, which is neutral and non-polar, with isoleucine, which is neutral and non-polar, at codon 328 of the LIPC protein (p.Val328Ile). This variant is present in population databases (rs769999239, gnomAD 0.006%). This variant has not been reported in the literature in individuals affected with LIPC-related conditions. ClinVar contains an entry for this variant (Variation ID: 2075394). Advanced modeling of protein sequence and biophysical properties (such as structural, functional, and spatial information, amino acid conservation, physicochemical variation, residue mobility, and thermodynamic stability) performed at Invitae indicates that this missense variant is not expected to disrupt LIPC protein function. In summary, the available evidence is currently insufficient to determine the role of this variant in disease. Therefore, it has been classified as a Variant of Uncertain Significance.